The following is an entry in ClinVar:

NM_001083116.3(PRF1):c.577T>C (p.Phe193Leu)

Gene: PRF1 (perforin 1; minus strand). Cytogenetic location: 10q22.1.
Variant type: single nucleotide variant.
Coding change: c.577T>C on transcript NM_001083116.3 (MANE Select); coding-DNA position 577, T replaced by C.
Protein change: p.Phe193Leu; replaces phenylalanine 193 with leucine.
Molecular consequence: missense variant.
Genome position (GRCh38, 1-based): chr10:70,599,144, A>G on the plus strand (T>C on the coding strand, the complement: PRF1 is on the minus strand). VCF-style: chr10-70599144-A-G. GRCh37 (hg19) VCF-style: chr10-72358900-A-G.
Other names: c.577T>C, p.Phe193Leu (NM_005041.6); short protein forms F193L.
Identifiers: ClinVar variation 2735412 (VCV002735412.3), dbSNP rs1848183403, ClinGen allele CA376959112.

ClinVar aggregate classification (germline): Likely pathogenic (1 of 4 stars; one submission).

Conditions:
Familial hemophagocytic lymphohistiocytosis 2 (FHL2). Also called: PRF1-Related Familial Hemophagocytic Lymphohistiocytosis (PRF1-fHLH). Identifiers: Orphanet 540, MedGen C1863727, MONDO:0011337, OMIM 603553.

Allele frequency attached by ClinVar (database versions not stated): TOPMed below 0.00001; gnomAD 0.00001.
gnomAD v4.1: 1 of 1,614,058 alleles (0.000062%); highest among the groups gnomAD compares: Non-Finnish European, 0.000085%; no homozygotes.

Submission:

Labcorp Genetics (formerly Invitae), Labcorp
Classification: Likely pathogenic for Familial hemophagocytic lymphohistiocytosis 2. Last evaluated: 2023-05-26. Review status: criteria provided, single submitter. Criteria: Invitae Variant Classification Sherloc (09022015). Collection method: clinical testing. Allele origin: germline.
Comment: This sequence change replaces phenylalanine, which is neutral and non-polar, with leucine, which is neutral and non-polar, at codon 193 of the PRF1 protein (p.Phe193Leu). This variant is not present in population databases (gnomAD no frequency). This missense change has been observed in individual(s) with hemophagocytic lymphohistiocytosis (PMID: 14576041). In at least one individual the data is consistent with being in trans (on the opposite chromosome) from a pathogenic variant. Advanced modeling of protein sequence and biophysical properties (such as structural, functional, and spatial information, amino acid conservation, physicochemical variation, residue mobility, and thermodynamic stability) has been performed at Invitae for this missense variant, however the output from this modeling did not meet the statistical confidence thresholds required to predict the impact of this variant on PRF1 protein function. Experimental studies have shown that this missense change affects PRF1 function (PMID: 19487666). In summary, the currently available evidence indicates that the variant is pathogenic, but additional data are needed to prove that conclusively. Therefore, this variant has been classified as Likely Pathogenic.

Literature cited by the submitters: PubMed 14576041; PubMed 19487666.